The following is an entry in ClinVar:

ClinVar aggregate classification (germline): Pathogenic/Likely pathogenic. Review status: criteria provided, multiple submitters, no conflicts (2 of 4 stars). 4 submissions from 4 submitters: Pathogenic (3); Likely pathogenic (1). Last evaluated 2025-07-14.

Conditions:
Leber congenital amaurosis (LCA). Also called: Leber's amaurosis. Identifiers: Orphanet 65, MedGen C0339527, MeSH D057130, MONDO:0018998.
RDH12-related disorder. Also called: RDH12-related disorders; RDH12-related condition.
Leber congenital amaurosis 13 (LCA13). Identifiers: MedGen C2675186, MONDO:0012990, OMIM 612712.

Allele frequency attached by ClinVar (database versions not stated): ExAC 0.00001; gnomAD 0.00001; gnomAD exomes 0.00001 and 0.00002.
gnomAD v4.1: 14 of 1,613,984 alleles (0.00087%); highest among the groups gnomAD compares: African/African-American, 0.0027%; no homozygotes.

Submissions (4):

Labcorp Genetics (formerly Invitae), Labcorp
Classification: Pathogenic for Leber congenital amaurosis 13. Last evaluated: 2025-07-14. Review status: criteria provided, single submitter. Criteria: Invitae Variant Classification Sherloc (09022015). Collection method: clinical testing. Allele origin: germline.
Comment: This sequence change creates a premature translational stop signal (p.Arg65*) in the RDH12 gene. It is expected to result in an absent or disrupted protein product. Loss-of-function variants in RDH12 are known to be pathogenic (PMID: 17964524, 22065924, 32014858, 34001834). This variant is present in population databases (rs778571042, gnomAD 0.007%). This premature translational stop signal has been observed in individual(s) with autosomal recessive RDH12-related conditions (PMID: 16269441, 26047050, 26868535). ClinVar contains an entry for this variant (Variation ID: 1065722). For these reasons, this variant has been classified as Pathogenic.

Women's Health and Genetics/Laboratory Corporation of America, LabCorp
Classification: Pathogenic for Leber congenital amaurosis. Last evaluated: 2024-11-19. Review status: criteria provided, single submitter. Criteria: LabCorp Variant Classification Summary - May 2015. Collection method: clinical testing. Allele origin: germline.
Comment: Variant summary: RDH12 c.193C>T (p.Arg65X) results in a premature termination codon, predicted to cause a truncation of the encoded protein or absence of the protein due to nonsense mediated decay, which are commonly known mechanisms for disease. The variant allele was found at a frequency of 1.6e-05 in 251488 control chromosomes (gnomAD). c.193C>T has been reported in the literature in individuals affected with Leber Congenital Amaurosis (Mackay_2011, Wang_2022). These data indicate that the variant is likely to be associated with disease. To our knowledge, no experimental evidence demonstrating an impact on protein function has been reported. The following publications have been ascertained in the context of this evaluation (PMID: 22065924, 35994252). ClinVar contains an entry for this variant (Variation ID: 1065722). Based on the evidence outlined above, the variant was classified as pathogenic.

Blueprint Genetics
Classification: Pathogenic for RDH12-related disorders. Last evaluated: 2023-04-04. Review status: criteria provided, single submitter. Criteria: ACMG Guidelines, 2015. Collection method: clinical testing. Allele origin: germline. Affected: yes. Observed: 3 variant alleles.

Ocular Genomics Institute, Massachusetts Eye and Ear
Classification: Likely pathogenic for Leber congenital amaurosis 13. Last evaluated: 2021-04-08. Review status: criteria provided, single submitter. Criteria: ACMG Guidelines, 2015. Collection method: research. Allele origin: germline. Affected: yes.
Comment: Through a review of available evidence we were able to apply the following criteria: PVS1, PM2. Based on this evidence we have classified this variant as Likely Pathogenic.

Literature cited by the submitters: PubMed 17964524 (cited by Labcorp Genetics (formerly Invitae), Labcorp); PubMed 22065924 (cited by Labcorp Genetics (formerly Invitae), Labcorp and Women's Health and Genetics/Laboratory Corporation of America, LabCorp); PubMed 32014858 (cited by Labcorp Genetics (formerly Invitae), Labcorp); PubMed 34001834 (cited by Labcorp Genetics (formerly Invitae), Labcorp); PubMed 16269441 (cited by Labcorp Genetics (formerly Invitae), Labcorp); PubMed 26047050 (cited by Labcorp Genetics (formerly Invitae), Labcorp); PubMed 26868535 (cited by Labcorp Genetics (formerly Invitae), Labcorp); PubMed 35994252 (cited by Women's Health and Genetics/Laboratory Corporation of America, LabCorp).

NM_152443.3(RDH12):c.193C>T (p.Arg65Ter)

Genes: GPHN (gephyrin; plus strand), RDH12 (retinol dehydrogenase 12; plus strand). Cytogenetic location: 14q24.1.
Variant type: single nucleotide variant.
Coding change: c.193C>T on transcript NM_152443.3 (MANE Select); coding-DNA position 193, C replaced by T.
Protein change: p.Arg65Ter; replaces arginine 65 with a stop codon.
Molecular consequence: nonsense.
Genome position (GRCh38, 1-based): chr14:67,725,104, C>T. VCF-style: chr14-67725104-C-T. GRCh37 (hg19) VCF-style: chr14-68191821-C-T.
Other names: short protein forms R65*.
Identifiers: ClinVar variation 1065722 (VCV001065722.11), dbSNP rs778571042, ClinGen allele CA7238643.